The following is an entry in ClinVar:

NM_020937.4(FANCM):c.5023GAG[2] (p.Glu1677del)

Gene: FANCM (FA complementation group M; plus strand). Cytogenetic location: 14q21.2.
Variant type: Microsatellite.
Coding change: c.5023GAG[2] on transcript NM_020937.4 (MANE Select); two copies in a row of the 3-base unit GAG starting at c.5023; the reference has three copies in a row; one copy, 3 bases deleted.
Protein change: p.Glu1677del; deletes glutamic acid 1677.
Molecular consequence: inframe deletion.
Genome position (GRCh38, 1-based): chr14:45,189,051-45,189,053, GAG deleted; deleting any 3 consecutive bases within chr14:45,189,045-45,189,053 gives the same sequence; the position shown is the placement nearest the transcript's 3' end. VCF-style (leftmost placement, unchanged base first): chr14-45189044-TGAG-T. GRCh37 (hg19) VCF-style: chr14-45658247-TGAG-T.
Other names: c.4945GAG[2], p.Glu1651del (NM_001308133.2); short protein forms E1651del, E1677del.
Identifiers: ClinVar variation 1045355 (VCV001045355.9), dbSNP rs750497256, ClinGen allele CA7169892.

ClinVar aggregate classification (germline): Uncertain significance. Review status: criteria provided, multiple submitters, no conflicts (2 of 4 stars). 2 submissions from 2 submitters: Uncertain significance (2). Last evaluated 2025-03-27.

Conditions:
Fanconi anemia (FA). Also called: Fanconi's anemia. Identifiers: Orphanet 84, MedGen C0015625, MeSH D005199, MONDO:0019391.

Submissions (2):

GeneDx
Classification: Uncertain significance. Last evaluated: 2025-03-27. Review status: criteria provided, single submitter. Criteria: GeneDx Variant Classification Process June 2021. Collection method: clinical testing. Allele origin: germline.
Comment: Not observed at significant frequency in large population cohorts (gnomAD); In silico analysis supports a deleterious effect on protein structure/function; Has not been previously published as pathogenic or benign to our knowledge; In-frame deletion of 1 amino acid(s) in a non-repeat region

Labcorp Genetics (formerly Invitae), Labcorp
Classification: Uncertain significance for Fanconi anemia. Last evaluated: 2021-12-16. Review status: criteria provided, single submitter. Criteria: Invitae Variant Classification Sherloc (09022015). Collection method: clinical testing. Allele origin: germline.
Comment: This variant has not been reported in the literature in individuals affected with FANCM-related conditions. This variant is present in population databases (rs750497256, gnomAD 0.004%). This variant, c.5029_5031del, results in the deletion of 1 amino acid(s) of the FANCM protein (p.Glu1677del), but otherwise preserves the integrity of the reading frame. Experimental studies and prediction algorithms are not available or were not evaluated, and the functional significance of this variant is currently unknown. In summary, the available evidence is currently insufficient to determine the role of this variant in disease. Therefore, it has been classified as a Variant of Uncertain Significance.